The following is an entry in ClinVar:

ClinVar aggregate classification (germline): Uncertain significance. Review status: criteria provided, multiple submitters, no conflicts (2 of 4 stars). 3 submissions from 3 submitters: Uncertain significance (3). Last evaluated 2025-06-18.

Conditions:
Inborn genetic diseases. Identifiers: MedGen C0950123, MeSH D030342.
Charcot-Marie-Tooth disease type 2. Also called: Charcot-Marie-Tooth type 2. Identifiers: Orphanet 64746, MedGen C0270914, MONDO:0018993.

Allele frequency attached by ClinVar (database versions not stated): TOPMed below 0.00001.
gnomAD v4.1: 8 of 1,614,150 alleles (0.0005%); highest among the groups gnomAD compares: Middle Eastern, 0.049%; no homozygotes.

Submissions (3):

Ambry Genetics
Classification: Uncertain significance for Inborn genetic diseases. Last evaluated: 2025-06-18. Review status: criteria provided, single submitter. Criteria: Ambry Variant Classification Scheme 2023. Collection method: clinical testing. Allele origin: germline.

Labcorp Genetics (formerly Invitae), Labcorp
Classification: Uncertain significance for Charcot-Marie-Tooth disease type 2. Last evaluated: 2025-03-30. Review status: criteria provided, single submitter. Criteria: Invitae Variant Classification Sherloc (09022015). Collection method: clinical testing. Allele origin: germline.
Comment: This sequence change replaces methionine, which is neutral and non-polar, with valine, which is neutral and non-polar, at codon 293 of the AARS protein (p.Met293Val). This variant is present in population databases (no rsID available, gnomAD no frequency). This variant has not been reported in the literature in individuals affected with AARS-related conditions. ClinVar contains an entry for this variant (Variation ID: 662360). Invitae Evidence Modeling of protein sequence and biophysical properties (such as structural, functional, and spatial information, amino acid conservation, physicochemical variation, residue mobility, and thermodynamic stability) indicates that this missense variant is not expected to disrupt AARS protein function with a negative predictive value of 80%. In summary, the available evidence is currently insufficient to determine the role of this variant in disease. Therefore, it has been classified as a Variant of Uncertain Significance.

CeGaT Center for Human Genetics Tuebingen
Classification: Uncertain significance. Last evaluated: 2024-02-01. Review status: criteria provided, single submitter. Criteria: CeGaT Center For Human Genetics Tuebingen Variant Classification Criteria Version 2. Collection method: clinical testing. Allele origin: germline. Affected: yes. Observed: 1 variant allele.
Comment: AARS1: PM2

NM_001605.3(AARS1):c.877A>G (p.Met293Val)

Gene: AARS1 (alanyl-tRNA synthetase 1; minus strand). Cytogenetic location: 16q22.1.
Variant type: single nucleotide variant.
Coding change: c.877A>G on transcript NM_001605.3 (MANE Select); coding-DNA position 877, A replaced by G.
Protein change: p.Met293Val; replaces methionine 293 with valine.
Molecular consequence: missense variant.
Genome position (GRCh38, 1-based): chr16:70,269,703, T>C on the plus strand (A>G on the coding strand, the complement: AARS1 is on the minus strand). VCF-style: chr16-70269703-T-C. GRCh37 (hg19) VCF-style: chr16-70303606-T-C.
Other names: short protein forms M293V.
Identifiers: ClinVar variation 662360 (VCV000662360.31), dbSNP rs762420332, ClinGen allele CA396564731.